The following is an entry in ClinVar:

NM_005104.4(BRD2):c.2296G>A (p.Ala766Thr)

Gene: BRD2 (bromodomain containing 2; plus strand). Cytogenetic location: 6p21.32.
Variant type: single nucleotide variant.
Coding change: c.2296G>A on transcript NM_005104.4 (MANE Select); coding-DNA position 2296, G replaced by A.
Protein change: p.Ala766Thr; replaces alanine 766 with threonine.
Molecular consequence: missense variant.
Genome position (GRCh38, 1-based): chr6:32,980,608, G>A. VCF-style: chr6-32980608-G-A. GRCh37 (hg19) VCF-style: chr6-32948385-G-A.
Other names: c.2155G>A (NM_001199456.1); c.2296G>A, p.Ala766Thr (NM_001113182.3); c.2155G>A, p.Ala719Thr (NM_001199456.2); c.1936G>A, p.Ala646Thr (NM_001291986.2); c.2401G>A, p.Ala801Thr (NM_001199455.1); short protein forms A766T, A646T, A719T, A801T.
Identifiers: ClinVar variation 778338 (VCV000778338.29), dbSNP rs144861747, ClinGen allele CA3748875.

ClinVar aggregate classification (germline): Benign/Likely benign. Review status: criteria provided, multiple submitters, no conflicts (2 of 4 stars). 3 submissions from 3 submitters: Benign (1); Likely benign (1). 1 of the submissions does not count toward it. Last evaluated 2023-06-01.

Conditions:
BRD2-related disorder. Also called: BRD2-related condition.

Allele frequency attached by ClinVar (database versions not stated): gnomAD exomes 0.00161 and 0.00252; 1000 Genomes Project 30x 0.00172; 1000 Genomes Project 0.00180; ExAC 0.00212; gnomAD 0.00244 and 0.00251; ESP Exome Variant Server 0.00213; TOPMed 0.00271.
gnomAD v4.1: 2,853 of 1,613,144 alleles (0.18%); highest among the groups gnomAD compares: African/African-American, 0.39%; 19 homozygotes.

Submissions (3):

CeGaT Center for Human Genetics Tuebingen
Classification: Likely benign. Last evaluated: 2023-06-01. Review status: criteria provided, single submitter. Criteria: CeGaT Center For Human Genetics Tuebingen Variant Classification Criteria Version 2. Collection method: clinical testing. Allele origin: germline. Affected: yes. Observed: 2 variant alleles.
Comment: BRD2: BP4

Labcorp Genetics (formerly Invitae), Labcorp
Classification: Benign. Last evaluated: 2019-12-31. Review status: criteria provided, single submitter. Criteria: Invitae Variant Classification Sherloc (09022015). Collection method: clinical testing. Allele origin: germline.

PreventionGenetics, part of Exact Sciences
Classification: Benign for BRD2-related condition. Last evaluated: 2019-09-10. Review status: no assertion criteria provided. Collection method: clinical testing. Allele origin: germline. Not counted in ClinVar's aggregate classification.
Comment: This variant is classified as benign based on ACMG/AMP sequence variant interpretation guidelines (Richards et al. 2015 PMID: 25741868, with internal and published modifications).